The following is an entry in ClinVar:

NM_001130987.2(DYSF):c.961T>C (p.Ser321Pro)

Gene: DYSF (dysferlin; plus strand). Cytogenetic location: 2p13.2.
Variant type: single nucleotide variant.
Coding change: c.961T>C on transcript NM_001130987.2 (MANE Select); coding-DNA position 961, T replaced by C.
Protein change: p.Ser321Pro; replaces serine 321 with proline.
Molecular consequence: missense variant.
Genome position (GRCh38, 1-based): chr2:71,516,998, T>C. VCF-style: chr2-71516998-T-C. GRCh37 (hg19) VCF-style: chr2-71744128-T-C.
Other names: NM_001130987.2(DYSF):c.961T>C; p.Ser321Pro; c.868T>C, p.Ser290Pro (NM_001130455.2, NM_001130983.2, NM_001130984.2 and 1 more transcripts); c.865T>C, p.Ser289Pro (NM_001130976.2, NM_001130977.2, NM_001130978.2 and 1 more transcripts); c.958T>C, p.Ser320Pro (NM_001130979.2, NM_001130980.2, NM_001130981.2); c.961T>C, p.Ser321Pro (NM_001130982.2, NM_001130985.2); short protein forms S289P, S321P, S290P, S320P.
Identifiers: ClinVar variation 94366 (VCV000094366.9), dbSNP rs398123808, ClinGen allele CA222222.
Genomic context (GRCh38, chr2:71,516,998, plus strand): 5'-GTGGGCCACATGTTCCCTGTGAATGTGAGTTTCCATGATCTTTCTCTGCAGGTGGTAGAC[T>C]CTCGTTCTCTCAGGACAGATGCTCTCCTCGGGGAGTTCCGGGTAATTGCTTATTTTCTAT-3'
Protein context (NP_001124459.1, residues 311-331): DEPIFITVVD[Ser321Pro]RSLRTDALLG

ClinVar aggregate classification (germline): Likely pathogenic. Review status: reviewed by expert panel (3 of 4 stars). 4 submissions from 4 submitters: Likely pathogenic (1). 3 of the submissions do not count toward it. Last evaluated 2025-06-24.

Conditions:
Autosomal recessive limb-girdle muscular dystrophy. Identifiers: Orphanet 102015, MedGen C2931907, MONDO:0015152.
Neuromuscular disease caused by qualitative or quantitative defects of dysferlin. Also called: Qualitative or quantitative defects of dysferlin; Dysferlinopathy. Identifiers: Orphanet 207073, MedGen C2931687, MONDO:0016145.
Miyoshi muscular dystrophy 1 (MMD1). Identifiers: Orphanet 45448, MedGen C4551973, MONDO:0024545, OMIM 254130.

Allele frequency attached by ClinVar (database versions not stated): gnomAD exomes below 0.00001; TOPMed below 0.00001; gnomAD 0.00001.
gnomAD v4.1: 4 of 1,614,066 alleles (0.00025%); highest among the groups gnomAD compares: Non-Finnish European, 0.00034%; no homozygotes.

Submissions (4):

ClinGen Limb Girdle Muscular Dystrophy Variant Curation Expert Panel, ClinGen
Classification: Likely pathogenic for Autosomal recessive limb-girdle muscular dystrophy. Last evaluated: 2025-06-24. Review status: reviewed by expert panel. Criteria: ClinGen LGMD VCEP ACMG Specifications DYSF V1.0.0. Collection method: curation. Allele origin: germline. Inheritance: Autosomal recessive inheritance.
Comment: The NM_003494.4: c.865T>C variant in DYSF, which is also known as NM_001130987.2: c.961T>C p.(Ser321Pro), is a missense variant predicted to cause substitution of serine by proline at amino acid 289, p.(Ser289Pro). This variant has been reported in two patients with features consistent with LGMD (PMID: 36983702; PMID: 30564623; LOVD DYSF_000780), including in unconfirmed phase with a pathogenic variant (NM_003494.4: c.757C>T p.(Arg253Trp), 0.5 pts; PMID: 0564623, LOVD Individual #00222734) (PM3_Supporting). One of the patients with this variant and a second presumed diagnostic DYSF variant displayed progressive limb girdle muscle weakness and reduced range dysferlin by blood monocyte assay (PP4; PMID: 36983702). The filtering allele frequency of this variant is 0.000007 in the European (non-Finnish) population of gnomAD v4.1.0 (the upper threshold of the 95% CI of 3/1112008 exome chromosomes), which is less than the ClinGen LGMD VCEP threshold (≤0.0001) (PM2_Supporting). Immunofluorescence and 2-A assays of dysferlin membrane localization in HEK293T cells showed the Ser289Pro protein did not reach the cell membrane, indicating an impact on protein function (PMID: 35028538) (PS3_Moderate). The computational predictor REVEL gives a score of 0.71, which is above the LGMD VCEP threshold of ≥0.70, evidence that correlates with impact to DYSF function (PP3). In summary, this variant meets the criteria to be classified as Likely Pathogenic for autosomal recessive limb girdle muscular dystrophy based on the ACMG/AMP criteria applied, as specified by the ClinGen LGMD VCEP (LGMD VCEP specifications version 1.0.0; 06/24/2025): PM3_Supporting, PP4, PM2_Supporting, PS3_Moderate, PP3.

Baylor Genetics
Classification: Pathogenic for Miyoshi muscular dystrophy 1. Last evaluated: 2023-04-19. Review status: criteria provided, single submitter. Criteria: ACMG Guidelines, 2015. Collection method: clinical testing. Allele origin: unknown. Not counted in ClinVar's aggregate classification.

Jain Foundation
Classification: Likely pathogenic for Dysferlinopathy. Last evaluated: 2023-03-13. Review status: criteria provided, single submitter. Criteria: Rufibach et al. (J Pers Med. 2023). Collection method: research. Allele origin: unknown. Affected: yes. Observed: 1 compound heterozygote. Not counted in ClinVar's aggregate classification.
Comment: This variant is absent from gnomAD v2.1.1. This variant has been reported in individuals with dysferlinopathy. In one case it was found in the heterozygous state in conjuction with the likely pathogeic DYSF variant, c.4794G>T (PMID: 36983702). In another case it was reported in the heterzygous state in conjunction with the pathogenic DYSF variant, c.757C>T (PMID: 30564623). This variant has also been reported to cause reduced dysferlin protein expression and no plasma membrane localization via an in vitro assay (PMID: 35028538). Both the REVEL (0.707) and CADD (25.6) scores support a deleterious effect. The ACMG classification criteria are: PM2 moderate, PM3 moderate, PP3, PP4 supporting, and PS3 supporting. Based on the above data, this variant has been classified as Likely Pathogenic.

Eurofins Ntd Llc (ga)
Classification: Uncertain significance. Last evaluated: 2017-03-04. Review status: criteria provided, single submitter. Criteria: EGL Classification Definitions 2015. Collection method: clinical testing. Allele origin: germline. Observed: 2 variant alleles, 2 heterozygotes. Not counted in ClinVar's aggregate classification.

Literature cited by the submitters: PubMed 30564623 (cited by Jain Foundation); PubMed 35028538 (cited by Jain Foundation).